The following is an entry in ClinVar:

NM_024422.6(DSC2):c.1027A>T (p.Ile343Phe)

Gene: DSC2 (desmocollin 2; minus strand). Cytogenetic location: 18q12.1.
Variant type: single nucleotide variant.
Coding change: c.1027A>T on transcript NM_024422.6 (MANE Select); coding-DNA position 1027, A replaced by T.
Protein change: p.Ile343Phe; replaces isoleucine 343 with phenylalanine.
Molecular consequence: missense variant.
Genome position (GRCh38, 1-based): chr18:31,082,976, T>A on the plus strand (A>T on the coding strand, the complement: DSC2 is on the minus strand). VCF-style: chr18-31082976-T-A. GRCh37 (hg19) VCF-style: chr18-28662942-T-A.
Other names: c.598A>T, p.Ile200Phe (NM_001406506.1, NM_001406507.1); c.1027A>T, p.Ile343Phe (NM_004949.5); short protein forms I200F, I343F.
Identifiers: ClinVar variation 3605377 (VCV003605377.3).
Genomic context (GRCh38, chr18:31,082,976, plus strand): 5'-ATACACTTACAGAAGTACGAGTAAATGTTGGCAAGTGGTCATTTACATCATCAATGTTAA[T>A]GATACAAGTTGAAGTTGTCTGTAGACCAAAATACTGACCATCCATGTCTTGTACTTTTAT-3'
Protein context (NP_077740.1, residues 333-353): FGLQTTSTCI[Ile343Phe]NIDDVNDHLP

ClinVar aggregate classification (germline): Uncertain significance. Review status: criteria provided, multiple submitters, no conflicts (2 of 4 stars). 2 submissions from 2 submitters: Uncertain significance (2). Last evaluated 2024-09-24.

Conditions:
Arrhythmogenic right ventricular dysplasia 11. Also called: ARRHYTHMOGENIC RIGHT VENTRICULAR DYSPLASIA, FAMILIAL, 11; Arrhythmogenic Right Ventricular Dysplasia/Cardiomyopathy11; Arrhythmogenic right ventricular dysplasia 11 with mild palmoplantar keratoderma and woolly hair. Identifiers: MedGen C1864850, MONDO:0012506, OMIM 610476.

gnomAD v4.1: 2 of 1,613,530 alleles (0.00012%); highest among the groups gnomAD compares: Non-Finnish European, 0.00017%; no homozygotes.

Submissions (2):

Labcorp Genetics (formerly Invitae), Labcorp
Classification: Uncertain significance for Arrhythmogenic right ventricular dysplasia 11. Last evaluated: 2024-09-24. Review status: criteria provided, single submitter. Criteria: Invitae Variant Classification Sherloc (09022015). Collection method: clinical testing. Allele origin: germline.
Comment: This sequence change replaces isoleucine, which is neutral and non-polar, with phenylalanine, which is neutral and non-polar, at codon 343 of the DSC2 protein (p.Ile343Phe). This variant is present in population databases (no rsID available, gnomAD 0.0009%). This variant has not been reported in the literature in individuals affected with DSC2-related conditions. Invitae Evidence Modeling of protein sequence and biophysical properties (such as structural, functional, and spatial information, amino acid conservation, physicochemical variation, residue mobility, and thermodynamic stability) indicates that this missense variant is expected to disrupt DSC2 protein function with a positive predictive value of 80%. In summary, the available evidence is currently insufficient to determine the role of this variant in disease. Therefore, it has been classified as a Variant of Uncertain Significance.

Blueprint Genetics
Classification: Uncertain significance. Last evaluated: 2019-08-09. Review status: criteria provided, single submitter. Criteria: ACMG Guidelines, 2015. Collection method: clinical testing. Allele origin: germline.